The following is an entry in ClinVar:

ClinVar aggregate classification (germline): Uncertain significance (1 of 4 stars; one submission).

Submission:

Dasa
Classification: Uncertain significance. Last evaluated: 2025-02-12. Review status: criteria provided, single submitter. Criteria: DASA Assertion Criteria. Collection method: clinical testing. Allele origin: germline.
Comment: NM_016953.4(PDE11A):c.652C>T (p.Leu218Phe) is a missense variant that results in the substitution of leucine with phenylalanine. This variant is absent from population databases. Computational prediction algorithms are consistent with a deleterious effect. The currently available literature and clinical evidence are not sufficient to establish a definitive association between this variant and the reported condition. Therefore, this variant is classified as a variant of uncertain significance.

NM_016953.4(PDE11A):c.652C>T (p.Leu218Phe)

Gene: PDE11A (phosphodiesterase 11A; minus strand). Cytogenetic location: 2q31.2.
Variant type: single nucleotide variant.
Coding change: c.652C>T on transcript NM_016953.4 (MANE Select); coding-DNA position 652, C replaced by T.
Protein change: p.Leu218Phe; replaces leucine 218 with phenylalanine.
Molecular consequence: missense variant. On other transcripts: intron variant (1).
Genome position (GRCh38, 1-based): chr2:178,071,786, G>A on the plus strand (C>T on the coding strand, the complement: PDE11A is on the minus strand). VCF-style: chr2-178071786-G-A. GRCh37 (hg19) VCF-style: chr2-178936513-G-A.
Other names: c.162+32516C>T (NM_001077197.2); short protein forms L218F.
Identifiers: ClinVar variation 4856875 (VCV004856875.2).
Genomic context (GRCh38, chr2:178,071,786, plus strand): 5'-AGCGGTCAGCATCCACCATAAGGCAGACAAAGATGAGAATCTTGTAGCTCAGGCTGGTGA[G>A]GTCAAGGTCATTGGAGATATCTTTGACCAATTCCAGAAAGAACTGACGCTCATTATGCTT-3'
Protein context (NP_058649.3, residues 208-228): LVKDISNDLD[Leu218Phe]TSLSYKILIF